The following is an entry in ClinVar:

ClinVar aggregate classification (germline): Uncertain significance (1 of 4 stars; one submission).

Submission:

Labcorp Genetics (formerly Invitae), Labcorp
Classification: Uncertain significance. Last evaluated: 2021-05-26. Review status: criteria provided, single submitter. Criteria: Invitae Variant Classification Sherloc (09022015). Collection method: clinical testing. Allele origin: germline.
Comment: This variant is not present in population databases (ExAC no frequency). This sequence change replaces tryptophan with serine at codon 632 of the CPLANE1 protein (p.Trp632Ser). The tryptophan residue is weakly conserved and there is a large physicochemical difference between tryptophan and serine. This variant has not been reported in the literature in individuals with CPLANE1-related conditions. In summary, the available evidence is currently insufficient to determine the role of this variant in disease. Therefore, it has been classified as a Variant of Uncertain Significance. Advanced modeling of protein sequence and biophysical properties (such as structural, functional, and spatial information, amino acid conservation, physicochemical variation, residue mobility, and thermodynamic stability) performed at Invitae indicates that this missense variant is expected to disrupt CPLANE1 protein function.

NM_001384732.1(CPLANE1):c.1895G>C (p.Trp632Ser)

Gene: CPLANE1 (ciliogenesis and planar polarity effector complex subunit 1; minus strand). Cytogenetic location: 5p13.2.
Variant type: single nucleotide variant.
Coding change: c.1895G>C on transcript NM_001384732.1 (MANE Select); coding-DNA position 1895, G replaced by C.
Protein change: p.Trp632Ser; replaces tryptophan 632 with serine.
Molecular consequence: missense variant.
Genome position (GRCh38, 1-based): chr5:37,226,700, C>G on the plus strand (G>C on the coding strand, the complement: CPLANE1 is on the minus strand). VCF-style: chr5-37226700-C-G. GRCh37 (hg19) VCF-style: chr5-37226802-C-G.
Other names: c.1895G>C, p.Trp632Ser (NM_023073.4); short protein forms W632S.
Identifiers: ClinVar variation 1493846 (VCV001493846.8), dbSNP rs2150437208, ClinGen allele CA359498374.
Genomic context (GRCh38, chr5:37,226,700, plus strand): 5'-CTTATATCCCAATAATGGATTGATAAACACTGATGAAAAAGTTGAAAGATACAAAGTATC[C>G]ATGCATTATGTCTTGAGCTTTTGCTTAAAACAAGATCAAGTTTAGGAAAAGGACATTTTA-3'
Protein context (NP_001371661.1, residues 622-642): VLSKSSRHNA[Trp632Ser]ILCIFQLFHQ